The following is an entry in ClinVar:

NM_003718.5(CDK13):c.642C>T (p.Arg214=)

Gene: CDK13 (cyclin dependent kinase 13; plus strand). Cytogenetic location: 7p14.1.
Variant type: single nucleotide variant.
Coding change: c.642C>T on transcript NM_003718.5 (MANE Select); coding-DNA position 642, C replaced by T.
Protein change: p.Arg214=; no amino-acid change (arginine 214 retained).
Molecular consequence: synonymous variant.
Genome position (GRCh38, 1-based): chr7:39,951,283, C>T. VCF-style: chr7-39951283-C-T. GRCh37 (hg19) VCF-style: chr7-39990882-C-T.
Other names: c.642C>T, p.Arg214= (NM_031267.4).
Identifiers: ClinVar variation 773491 (VCV000773491.18), dbSNP rs143271914, ClinGen allele CA4228314.

ClinVar aggregate classification (germline): Benign/Likely benign. Review status: criteria provided, multiple submitters, no conflicts (2 of 4 stars). 3 submissions from 3 submitters: Benign (1); Likely benign (2). Last evaluated 2026-05-01.

Allele frequency attached by ClinVar (database versions not stated): gnomAD exomes 0.00108 and 0.00465; TOPMed 0.00111; 1000 Genomes Project 0.00120; gnomAD 0.00186 and 0.00198; 1000 Genomes Project 30x 0.00265; ExAC below 0.00001.
gnomAD v4.1: 1,644 of 1,362,130 alleles (0.12%); highest among the groups gnomAD compares: East Asian, 1.2%; 15 homozygotes.

Submissions (4):

CeGaT Center for Human Genetics Tuebingen
Classification: Likely benign. Last evaluated: 2026-05-01. Review status: criteria provided, single submitter. Criteria: CeGaT Center For Human Genetics Tuebingen Variant Classification Criteria Version 2. Collection method: clinical testing. Allele origin: germline. Affected: yes. Observed: 3 variant alleles.
Comment: CDK13: BP4, BP7, BS1

Labcorp Genetics (formerly Invitae), Labcorp
Classification: Benign. Last evaluated: 2026-01-21. Review status: criteria provided, single submitter. Criteria: Invitae Variant Classification Sherloc (09022015). Collection method: clinical testing. Allele origin: germline.

Blueprint Genetics
Classification: Likely benign. Last evaluated: 2024-11-26. Review status: criteria provided, single submitter. Criteria: ACMG Guidelines, 2015. Collection method: clinical testing. Allele origin: germline.

Dr. Peter K. Rogan Lab, Western University
No classification provided (evidence only). Condition: Hepatocellular carcinoma. Review status: no classification provided. Collection method: in vitro. Allele origin: not applicable. Functional consequence: retained intron. Not counted in ClinVar's aggregate classification.